The following is an entry in ClinVar:

ClinVar aggregate classification (germline): Uncertain significance. Review status: criteria provided, multiple submitters, no conflicts (2 of 4 stars). 2 submissions from 2 submitters: Uncertain significance (2). Last evaluated 2023-03-14.

Conditions:
Hereditary cancer-predisposing syndrome. Also called: Neoplastic Syndromes, Hereditary; Tumor predisposition; Hereditary Cancer Syndrome; Hereditary neoplastic syndrome. Identifiers: Orphanet 140162, MedGen C0027672, MeSH D009386, MONDO:0015356.
Familial adenomatous polyposis 1 (FAP1). Also called: FAMILIAL ADENOMATOUS POLYPOSIS 1, ATTENUATED; POLYPOSIS, ADENOMATOUS INTESTINAL. Identifiers: MedGen C2713442, MONDO:0021056, OMIM 175100. Disease mechanism: loss of function.

Allele frequency attached by ClinVar (database versions not stated): TOPMed 0.00001.

Submissions (2):

Labcorp Genetics (formerly Invitae), Labcorp
Classification: Uncertain significance for Familial adenomatous polyposis 1. Last evaluated: 2023-03-14. Review status: criteria provided, single submitter. Criteria: Invitae Variant Classification Sherloc (09022015). Collection method: clinical testing. Allele origin: germline.
Comment: Advanced modeling of protein sequence and biophysical properties (such as structural, functional, and spatial information, amino acid conservation, physicochemical variation, residue mobility, and thermodynamic stability) performed at Invitae indicates that this missense variant is not expected to disrupt APC protein function. In summary, the available evidence is currently insufficient to determine the role of this variant in disease. Therefore, it has been classified as a Variant of Uncertain Significance. ClinVar contains an entry for this variant (Variation ID: 482357). This variant has not been reported in the literature in individuals affected with APC-related conditions. This variant is not present in population databases (gnomAD no frequency). This sequence change replaces isoleucine, which is neutral and non-polar, with phenylalanine, which is neutral and non-polar, at codon 2329 of the APC protein (p.Ile2329Phe).

Ambry Genetics
Classification: Uncertain significance for Hereditary cancer-predisposing syndrome. Last evaluated: 2016-05-21. Review status: criteria provided, single submitter. Criteria: Ambry Variant Classification Scheme 2023. Collection method: clinical testing. Allele origin: germline.
Comment: The p.I2329F variant (also known as c.6985A>T), located in coding exon 15 of the APC gene, results from an A to T substitution at nucleotide position 6985. The isoleucine at codon 2329 is replaced by phenylalanine, an amino acid with highly similar properties. This variant was not reported in population based cohorts in the following databases: Database of Single Nucleotide Polymorphisms (dbSNP), NHLBI Exome Sequencing Project (ESP), and 1000 Genomes Project. In the ESP, this variant was not observed in 6500 samples (13000 alleles) with coverage at this position. To date, this alteration has been detected with an allele frequency of approximately 0.001% (greater than 90000 alleles tested) in our clinical cohort. This amino acid position is well conserved in available vertebrate species. In addition, in silico predictors for this gene do not accurately predict pathogenicity. Since supporting evidence is limited at this time, the clinical significance of this alteration remains unclear.

NM_000038.6(APC):c.6985A>T (p.Ile2329Phe)

Gene: APC (APC regulator of Wnt signaling pathway; plus strand). Cytogenetic location: 5q22.2.
Variant type: single nucleotide variant.
Coding change: c.6985A>T on transcript NM_000038.6 (MANE Select); coding-DNA position 6985, A replaced by T.
Protein change: p.Ile2329Phe; replaces isoleucine 2329 with phenylalanine.
Molecular consequence: missense variant.
Genome position (GRCh38, 1-based): chr5:112,842,579, A>T. VCF-style: chr5-112842579-A-T. GRCh37 (hg19) VCF-style: chr5-112178276-A-T.
Other names: c.6985A>T, p.Ile2329Phe (NM_001127510.3, NM_001354895.2); c.6931A>T, p.Ile2311Phe (NM_001127511.3); c.7039A>T, p.Ile2347Phe (NM_001354896.2); c.7015A>T, p.Ile2339Phe (NM_001354897.2); c.6910A>T, p.Ile2304Phe (NM_001354898.2); c.6901A>T, p.Ile2301Phe (NM_001354899.2); c.6862A>T, p.Ile2288Phe (NM_001354900.2); c.6808A>T, p.Ile2270Phe (NM_001354901.2); and 5 more; short protein forms I2311F, I2329F, I2238F, I2046F, I2228F, I2270F, I2288F, I2301F.
Identifiers: ClinVar variation 482357 (VCV000482357.8), dbSNP rs146048493, ClinGen allele CA16036559.
Genomic context (GRCh38, chr5:112,842,579, plus strand): 5'-CCTTCAAGACCTGCCCAGCAACCATTAAGTAGACCTATACAGTCTCCTGGCCGAAACTCA[A>T]TTTCCCCTGGTAGAAATGGAATAAGTCCTCCTAACAAATTATCTCAACTTCCAAGGACAT-3'
Protein context (NP_000029.2, residues 2319-2339): RPIQSPGRNS[Ile2329Phe]SPGRNGISPP